The following is an entry in ClinVar:

ClinVar aggregate classification (germline): Uncertain significance (1 of 4 stars; one submission).

Conditions:
Dilated cardiomyopathy 1DD (CMD1DD). Identifiers: Orphanet 154, MedGen C2750995, MONDO:0013168, OMIM 613172.

Allele frequency attached by ClinVar (database versions not stated): gnomAD exomes below 0.00001.
gnomAD v4.1: 3 of 1,551,600 alleles (0.00019%); highest among the groups gnomAD compares: Non-Finnish European, 0.00017%; no homozygotes.

Submission:

Labcorp Genetics (formerly Invitae), Labcorp
Classification: Uncertain significance for Dilated cardiomyopathy 1DD. Last evaluated: 2020-02-29. Review status: criteria provided, single submitter. Criteria: Invitae Variant Classification Sherloc (09022015). Collection method: clinical testing. Allele origin: germline.
Comment: This sequence change replaces histidine with glutamine at codon 648 of the RBM20 protein (p.His648Gln). The histidine residue is highly conserved and there is a small physicochemical difference between histidine and glutamine. This variant is not present in population databases (ExAC no frequency). This variant has not been reported in the literature in individuals with RBM20-related conditions. Algorithms developed to predict the effect of missense changes on protein structure and function are either unavailable or do not agree on the potential impact of this missense change (SIFT: "Deleterious"; PolyPhen-2: "Probably Damaging"; Align-GVGD: "Class C15"). In summary, the available evidence is currently insufficient to determine the role of this variant in disease. Therefore, it has been classified as a Variant of Uncertain Significance.

NM_001134363.3(RBM20):c.1944C>A (p.His648Gln)

Gene: RBM20 (RNA binding motif protein 20; plus strand). Cytogenetic location: 10q25.2.
Variant type: single nucleotide variant.
Coding change: c.1944C>A on transcript NM_001134363.3 (MANE Select); coding-DNA position 1944, C replaced by A.
Protein change: p.His648Gln; replaces histidine 648 with glutamine.
Molecular consequence: missense variant.
Genome position (GRCh38, 1-based): chr10:110,812,341, C>A. VCF-style: chr10-110812341-C-A. GRCh37 (hg19) VCF-style: chr10-112572099-C-A.
Other names: short protein forms H648Q.
Identifiers: ClinVar variation 1042982 (VCV001042982.8), dbSNP rs1844779098, ClinGen allele CA378370460.